The following is an entry in ClinVar:

ClinVar aggregate classification (germline): Benign. Review status: criteria provided, multiple submitters, no conflicts (2 of 4 stars). 2 submissions from 2 submitters: Benign (2). Last evaluated 2018-01-12.

Conditions:
Hypophosphatemic rickets, autosomal recessive, 1 (ARHR1). Also called: HYPOPHOSPHATEMIA, AUTOSOMAL RECESSIVE. Identifiers: Orphanet 289176, MedGen C4551495, MONDO:0009430, OMIM 241520. Disease mechanism: loss of function.

Allele frequency attached by ClinVar (database versions not stated): gnomAD exomes 0.01613; gnomAD 0.02551 and 0.02610; TOPMed 0.02839; 1000 Genomes Project 0.02975; 1000 Genomes Project 30x 0.02983.
gnomAD v4.1: 7,738 of 390,362 alleles (2%); highest among the groups gnomAD compares: African/African-American, 5.7%; 130 homozygotes.

Submissions (2):

Illumina Laboratory Services, Illumina
Classification: Benign for Hypophosphatemic rickets, autosomal recessive, 1. Last evaluated: 2018-01-12. Review status: criteria provided, single submitter. Criteria: ICSL Variant Classification Criteria 13 December 2019. Collection method: clinical testing. Allele origin: germline.
Comment: This variant was observed in the ICSL laboratory as part of a predisposition screen in an ostensibly healthy population. It had not been previously curated by ICSL or reported in the Human Gene Mutation Database (HGMD: prior to June 1st, 2018), and was therefore a candidate for classification through an automated scoring system. Utilizing variant allele frequency, disease prevalence and penetrance estimates, and inheritance mode, an automated score was calculated to assess if this variant is too frequent to cause the disease. Based on the score and internal cut-off values, a variant classified as benign is not then subjected to further curation. The score for this variant resulted in a classification of benign for this disease.

Breakthrough Genomics
Classification: Benign. Review status: criteria provided, single submitter. Criteria: ACMG Guidelines, 2015. Collection method: not provided. Allele origin: germline. Inheritance: Autosomal recessive inheritance. Affected: yes.

NM_004407.4(DMP1):c.*329A>C

Genes: DMP1 (dentin matrix acidic phosphoprotein 1; plus strand), DMP1-AS1 (DMP1 and DSPP antisense RNA 1; minus strand). Cytogenetic location: 4q22.1.
Variant type: single nucleotide variant.
Coding change: c.*329A>C on transcript NM_004407.4 (MANE Select); 329 bases downstream of the stop codon, A replaced by C.
Molecular consequence: 3 prime UTR variant.
Genome position (GRCh38, 1-based): chr4:87,663,649, A>C. VCF-style: chr4-87663649-A-C. GRCh37 (hg19) VCF-style: chr4-88584801-A-C.
Other names: c.*329A>C (NM_001079911.3).
Identifiers: ClinVar variation 349993 (VCV000349993.6), dbSNP rs6816379, ClinGen allele CA10618536.